The following is an entry in ClinVar:

ClinVar aggregate classification (germline): Uncertain significance (1 of 4 stars; one submission).

gnomAD v4.1: 20 of 1,614,058 alleles (0.0012%); highest among the groups gnomAD compares: South Asian, 0.021%; no homozygotes.

Submission:

Mayo Clinic Laboratories, Mayo Clinic
Classification: Uncertain significance. Last evaluated: 2025-10-11. Review status: criteria provided, single submitter. Criteria: ACMG Guidelines, 2015. Collection method: clinical testing. Allele origin: germline. Observed: 1 variant allele.
Comment: PP3_moderate, PM2_supporting

NM_015665.6(AAAS):c.1184T>C (p.Leu395Pro)

Gene: AAAS (aladin WD repeat nucleoporin; minus strand). Cytogenetic location: 12q13.13.
Variant type: single nucleotide variant.
Coding change: c.1184T>C on transcript NM_015665.6 (MANE Select); coding-DNA position 1184, T replaced by C.
Protein change: p.Leu395Pro; replaces leucine 395 with proline.
Molecular consequence: missense variant.
Genome position (GRCh38, 1-based): chr12:53,308,347, A>G on the plus strand (T>C on the coding strand, the complement: AAAS is on the minus strand). VCF-style: chr12-53308347-A-G. GRCh37 (hg19) VCF-style: chr12-53702131-A-G.
Other names: p.Leu395Pro; c.1085T>C, p.Leu362Pro (NM_001173466.2); short protein forms L395P, L362P.
Identifiers: ClinVar variation 4541718 (VCV004541718.1).